The following is an entry in ClinVar:

ClinVar aggregate classification (germline): Uncertain significance (1 of 4 stars; one submission).

Conditions:
Muscle AMP deaminase deficiency (MMDD). Also called: Myoadenylate deaminase deficiency, myopathy due to; Adenosine monophosphate deaminase 1 deficiency; AMP deaminase 1 deficiency; Adenosine Monophosphate Deaminase 1; ADENOSINE MONOPHOSPHATE DEAMINASE-1 DEFICIENCY, MYOPATHY DUE TO; AMPD1 DEFICIENCY. Identifiers: Orphanet 45, MedGen C3714933, MONDO:0014220, OMIM 615511.

Submission:

Labcorp Genetics (formerly Invitae), Labcorp
Classification: Uncertain significance for Muscle AMP deaminase deficiency. Last evaluated: 2024-01-24. Review status: criteria provided, single submitter. Criteria: Invitae Variant Classification Sherloc (09022015). Collection method: clinical testing. Allele origin: germline.
Comment: This sequence change replaces alanine, which is neutral and non-polar, with glutamic acid, which is acidic and polar, at codon 176 of the AMPD1 protein (p.Ala176Glu). This variant is not present in population databases (gnomAD no frequency). This variant has not been reported in the literature in individuals affected with AMPD1-related conditions. An algorithm developed to predict the effect of missense changes on protein structure and function (PolyPhen-2) suggests that this variant is likely to be disruptive. In summary, the available evidence is currently insufficient to determine the role of this variant in disease. Therefore, it has been classified as a Variant of Uncertain Significance.

NM_000036.3(AMPD1):c.428C>A (p.Ala143Glu)

Gene: AMPD1 (adenosine monophosphate deaminase 1; minus strand). Cytogenetic location: 1p13.2.
Variant type: single nucleotide variant.
Coding change: c.428C>A on transcript NM_000036.3 (MANE Select); coding-DNA position 428, C replaced by A.
Protein change: p.Ala143Glu; replaces alanine 143 with glutamic acid.
Molecular consequence: missense variant.
Genome position (GRCh38, 1-based): chr1:114,684,318, G>T on the plus strand (C>A on the coding strand, the complement: AMPD1 is on the minus strand). VCF-style: chr1-114684318-G-T. GRCh37 (hg19) VCF-style: chr1-115226939-G-T.
Other names: c.416C>A, p.Ala139Glu (NM_001172626.2); short protein forms A139E, A143E.
Identifiers: ClinVar variation 2761699 (VCV002761699.3), dbSNP rs2526371423, ClinGen allele CA341752740.
Genomic context (GRCh38, chr1:114,684,318, plus strand): 5'-GAAGGGGTTTTAGGGAACCTCTGAAACGACTTCTGCATGTATTTCTCACGTATGCATAGT[G>T]CCCGATACAGACCTTTGCAAACAATTTCAAAATCTTCAACTGTAACCTGCCAAAAAAAAA-3'
Protein context (NP_000027.3, residues 133-153): FEIVCKGLYR[Ala143Glu]LCIREKYMQK